The following is an entry in ClinVar:

NM_000342.4(SLC4A1):c.2401A>C (p.Ser801Arg)

Gene: SLC4A1 (solute carrier family 4 member 1 (Diego blood group); minus strand). Cytogenetic location: 17q21.31.
Variant type: single nucleotide variant.
Coding change: c.2401A>C on transcript NM_000342.4 (MANE Select); coding-DNA position 2401, A replaced by C.
Protein change: p.Ser801Arg; replaces serine 801 with arginine.
Molecular consequence: missense variant.
Genome position (GRCh38, 1-based): chr17:44,251,499, T>G on the plus strand (A>C on the coding strand, the complement: SLC4A1 is on the minus strand). VCF-style: chr17-44251499-T-G. GRCh37 (hg19) VCF-style: chr17-42328867-T-G.
Other names: short protein forms S801R.
Identifiers: ClinVar variation 889392 (VCV000889392.9), dbSNP rs775095594, ClinGen allele CA8600038.
Genomic context (GRCh38, chr17:44,251,499, plus strand): 5'-CTGGGTGATACTTGGGTGGCTTGAACAGAAGCAAGATGCGGTCAAAGAGCTGGATGCCGC[T>G]GAGCGACGTGACCCCCATGTAGAGGAAGATGCCAAACAGTACAGCCAGGGGGATGCGGGA-3'
Protein context (NP_000333.1, residues 791-811): IFLYMGVTSL[Ser801Arg]GIQLFDRILL

ClinVar aggregate classification (germline): Conflicting classifications of pathogenicity. Review status: criteria provided, conflicting classifications (1 of 4 stars). 6 submissions from 4 submitters: Uncertain significance (5); Benign (1). Last evaluated 2025-09-15.

Conditions:
Inborn genetic diseases. Identifiers: MedGen C0950123, MeSH D030342.
Hereditary spherocytosis type 4. Also called: SLC4A1-Related Spherocytosis. Identifiers: Orphanet 822, MedGen C2675212, MONDO:0012981, OMIM 612653.
Autosomal dominant distal renal tubular acidosis (DRTA1). Also called: RTA, CLASSIC TYPE; RTA, DISTAL TYPE, AUTOSOMAL DOMINANT; RTA, GRADIENT TYPE; Renal Tubular Acidosis, Type I; RENAL TUBULAR ACIDOSIS, DISTAL, 1. Identifiers: Orphanet 93608, MedGen CN280572, MONDO:0008368, OMIM 179800.
Hemolytic anemia. Identifiers: MedGen C0002878, MONDO:0003664, HP:0001878.

Allele frequency attached by ClinVar (database versions not stated): gnomAD exomes 0.00002 and 0.00004; TOPMed 0.00002; gnomAD 0.00003; ExAC 0.00007.
gnomAD v4.1: 30 of 1,614,030 alleles (0.0019%); highest among the groups gnomAD compares: Non-Finnish European, 0.0025%; no homozygotes.

Submissions (6):

Labcorp Genetics (formerly Invitae), Labcorp
Classification: Uncertain significance. Last evaluated: 2025-09-15. Review status: criteria provided, single submitter. Criteria: Invitae Variant Classification Sherloc (09022015). Collection method: clinical testing. Allele origin: germline.
Comment: This sequence change replaces serine, which is neutral and polar, with arginine, which is basic and polar, at codon 801 of the SLC4A1 protein (p.Ser801Arg). This variant is present in population databases (rs775095594, gnomAD 0.01%). This variant has not been reported in the literature in individuals affected with SLC4A1-related conditions. ClinVar contains an entry for this variant (Variation ID: 889392). Invitae Evidence Modeling of protein sequence and biophysical properties (such as structural, functional, and spatial information, amino acid conservation, physicochemical variation, residue mobility, and thermodynamic stability) indicates that this missense variant is not expected to disrupt SLC4A1 protein function with a negative predictive value of 80%. In summary, the available evidence is currently insufficient to determine the role of this variant in disease. Therefore, it has been classified as a Variant of Uncertain Significance.

Ambry Genetics
Classification: Uncertain significance for Inborn genetic diseases. Last evaluated: 2023-05-30. Review status: criteria provided, single submitter. Criteria: Ambry Variant Classification Scheme 2023. Collection method: clinical testing. Allele origin: germline.

Revvity Omics, Revvity
Classification: Uncertain significance. Last evaluated: 2022-03-22. Review status: criteria provided, single submitter. Criteria: ACMG Guidelines, 2015. Collection method: clinical testing. Allele origin: germline.

Illumina Laboratory Services, Illumina
Classification: Benign for Autosomal dominant distal renal tubular acidosis. Last evaluated: 2017-07-27. Review status: criteria provided, single submitter. Criteria: ICSL Variant Classification Criteria 13 December 2019. Collection method: clinical testing. Allele origin: germline.
Comment: This variant was observed as part of a predisposition screen in an ostensibly healthy population. A literature search was performed for the gene, cDNA change, and amino acid change (where applicable). No publications were found based on this search. Allele frequency data from public databases was too high to be consistent with this variant causing disease. Therefore, this variant is classified as benign.

Illumina Laboratory Services, Illumina
Classification: Uncertain significance for Hereditary spherocytosis type 4. Last evaluated: 2017-04-27. Review status: criteria provided, single submitter. Criteria: ICSL Variant Classification Criteria 13 December 2019. Collection method: clinical testing. Allele origin: germline.

Illumina Laboratory Services, Illumina
Classification: Uncertain significance for Hemolytic anemia. Last evaluated: 2017-04-27. Review status: criteria provided, single submitter. Criteria: ICSL Variant Classification Criteria 13 December 2019. Collection method: clinical testing. Allele origin: germline.